The following is an entry in ClinVar:

NM_000238.4(KCNH2):c.1888G>A (p.Val630Ile)

Gene: KCNH2 (potassium voltage-gated channel subfamily H member 2; minus strand). Cytogenetic location: 7q36.1.
Variant type: single nucleotide variant.
Coding change: c.1888G>A on transcript NM_000238.4 (MANE Select); coding-DNA position 1888, G replaced by A.
Protein change: p.Val630Ile; replaces valine 630 with isoleucine.
Molecular consequence: missense variant.
Genome position (GRCh38, 1-based): chr7:150,951,505, C>T on the plus strand (G>A on the coding strand, the complement: KCNH2 is on the minus strand). VCF-style: chr7-150951505-C-T. GRCh37 (hg19) VCF-style: chr7-150648593-C-T.
Other names: c.868G>A, p.Val290Ile (NM_001204798.2, NM_172057.3); c.1600G>A, p.Val534Ile (NM_001406753.1, NM_001406756.1); c.1711G>A, p.Val571Ile (NM_001406755.1); c.1588G>A, p.Val530Ile (NM_001406757.1); c.1888G>A, p.Val630Ile (NM_172056.3); short protein forms V290I, V630I, V571I, V530I, V534I.
Identifiers: ClinVar variation 222669 (VCV000222669.27), dbSNP rs199472958, ClinGen allele CA029665.

ClinVar aggregate classification (germline): Conflicting classifications of pathogenicity. Review status: criteria provided, conflicting classifications (1 of 4 stars). 8 submissions from 8 submitters: Pathogenic (1); Likely pathogenic (3); Uncertain significance (4). Last evaluated 2026-09-01.

Conditions:
Cardiovascular phenotype. Identifiers: MedGen CN230736.
Long QT syndrome (LQTS). Identifiers: MedGen C0023976, MeSH D008133, MONDO:0002442. Disease mechanism: loss of function. Inheritance: Various modes of inheritance.
Long QT syndrome 2 (LQT2). Identifiers: Orphanet 101016, Orphanet 768, MedGen C3150943, MONDO:0013367, OMIM 613688.
KCNH2-related disorder. Also called: KCNH2-related disorders; KCNH2-related condition.
Cardiac arrhythmia. Also called: Arrhythmia; Cardiac rhythm disease. Identifiers: MedGen C0003811, MONDO:0007263, HP:0011675.

Allele frequency attached by ClinVar (database versions not stated): gnomAD exomes 0.00001 and 0.00002; TOPMed 0.00002; ExAC 0.00003; gnomAD 0.00003; ESP Exome Variant Server 0.00008.
gnomAD v4.1: 17 of 1,614,106 alleles (0.0011%); highest among the groups gnomAD compares: Middle Eastern, 0.016%; no homozygotes.

Submissions (8):

CeGaT Center for Human Genetics Tuebingen
Classification: Pathogenic. Last evaluated: 2026-09-01. Review status: criteria provided, single submitter. Criteria: CeGaT Center For Human Genetics Tuebingen Variant Classification Criteria Version 2. Collection method: clinical testing. Allele origin: germline. Affected: yes. Observed: 3 variant alleles.
Comment: KCNH2: PS4, PM1, PM5, PP2, PP3

Color Diagnostics, LLC DBA Color Health
Classification: Uncertain significance for Cardiac arrhythmia. Last evaluated: 2025-06-04. Review status: criteria provided, single submitter. Criteria: ACMG Guidelines, 2015. Collection method: clinical testing. Allele origin: germline.
Comment: This missense variant replaces valine with isoleucine at codon 630 of the KCNH2 protein. This variant is found within a highly conserved pore region (a.a. 612-632). Rare nontruncating variants in this region have been shown to be significantly overrepresented in individuals with long QT syndrome (PMID: 32893267). A functional study has shown that this variant has no significant impact on channel function (PMID: 8799887). This variant has been reported in six unrelated individuals affected with or suspected of having long QT syndrome (PMID: 30041777, 32893267, 37901857ClinVar SCV000263978.2, SCV002723839.1), as well as in individuals affected with Brugada syndrome (PMID: 34363016), ventricular arrhythmias (ClinVar SCV001754799.1), and sudden arrhythmic death syndrome (PMID: 28449774). This variant has also been identified in 7/282860 chromosomes in the general population by the Genome Aggregation Database (gnomAD). A different missense variant occurring at the same codon, p.Val630Ala, is reported to be pathogenic (ClinVar variation ID: 67319), indicating that valine at this position is important for KCNH2 protein function. Although there is a suspicion for a pathogenic role, the available evidence is insufficient to determine the role of this variant in disease conclusively. Therefore, this variant is classified as a Variant of Uncertain Significance.

Ambry Genetics
Classification: Uncertain significance for Cardiovascular phenotype. Last evaluated: 2024-11-14. Review status: criteria provided, single submitter. Criteria: Ambry Variant Classification Scheme 2023. Collection method: clinical testing. Allele origin: germline.
Comment: The p.V630I variant (also known as c.1888G>A), located in coding exon 7 of the KCNH2 gene, results from a G to A substitution at nucleotide position 1888. The valine at codon 630 is replaced by isoleucine, an amino acid with highly similar properties. This variant has been detected in individuals with sudden death or features consistent with long QT syndrome (LQTS); however, in several cases, clinical details were limited or a second variant in a LQTS-related gene was also detected (Lahrouchi N et al. J. Am. Coll. Cardiol., 2017 May;69:2134-2145; Owen HJ et al. Int. J. Cardiol., 2018 Oct;268:132-136; Walsh R et al. Genet Med, 2021 Jan;23:47-58; Nafissi NA et al. Circ Genom Precis Med, 2022 Oct;15:e003675; Ambry internal data). This amino acid position is highly conserved in available vertebrate species. In addition, this alteration is predicted to be deleterious by in silico analysis. Based on the available evidence, the clinical significance of this variant remains unclear.

All of Us Research Program, National Institutes of Health
Classification: Uncertain significance for Long QT syndrome. Last evaluated: 2024-08-13. Review status: criteria provided, single submitter. Criteria: ACMG Guidelines, 2015. Collection method: clinical testing. Allele origin: germline. Inheritance: Autosomal dominant inheritance. Observed: 4 variant alleles, 4 heterozygotes.
Comment: This missense variant replaces valine with isoleucine at codon 630 of the KCNH2 protein. This variant is found within a highly conserved pore region (a.a.612-632). Rare nontruncating variants in this region have been shown to be significantly overrepresented in individuals with long QT syndrome (PMID: 32893267). A functional study has shown that this variant has no significant impact on channel function (PMID: 8799887). This variant has been reported in five unrelated individuals affected with or suspected of having long QT syndrome (PMID: 30041777, 32893267, communication with external laboratories ClinVar SCV000263978.2, SCV002723839.1), and in an individual affected with Brugada syndrome (PMID: 34363016), ventricular arrhythmias (ClinVar SCV001754799.1), or sudden arrhythmic death syndrome (PMID: 28449774). This variant has also been observed in individuals with other conditions, including epilepsy, dilated cardiomyopathy and muscular dystrophy, and multiple congenital abnormalities (communication with external laboratories ClinVar SCV002723839.1, SCV001400343.4). This variant has been identified in 7/282860 chromosomes in the general population by the Genome Aggregation Database (gnomAD). A different missense variant occurring at the same codon, p.Val630Ala, has been determined to be pathogenic (ClinVar variation ID: 67319, Color), indicating that valine at this position is important for KCNH2 protein function. Although there is a suspicion for a pathogenic role, the available evidence is insufficient to determine the role of this variant in disease conclusively. Therefore, this variant is classified as a Variant of Uncertain Significance.

This study involves interpretation of variants in research participants for the purpose of population health screening. Participant phenotype was not available at the time of variant classification. Additional details can be found in publication PMID: 35346344, PMCID: PMC8962531

Labcorp Genetics (formerly Invitae), Labcorp
Classification: Uncertain significance for Long QT syndrome. Last evaluated: 2024-07-08. Review status: criteria provided, single submitter. Criteria: Invitae Variant Classification Sherloc (09022015). Collection method: clinical testing. Allele origin: germline.
Comment: This sequence change replaces valine, which is neutral and non-polar, with isoleucine, which is neutral and non-polar, at codon 630 of the KCNH2 protein (p.Val630Ile). This variant is present in population databases (rs199472958, gnomAD 0.005%). This missense change has been observed in individual(s) with clinical features of KCNH2-related conditions (PMID: 28449774, 34363016). ClinVar contains an entry for this variant (Variation ID: 222669). An algorithm developed to predict the effect of missense changes on protein structure and function (PolyPhen-2) suggests that this variant is likely to be disruptive. Experimental studies have shown that this missense change does not substantially affect KCNH2 function (PMID: 8799887). This variant disrupts the p.Val630 amino acid residue in KCNH2. Other variant(s) that disrupt this residue have been determined to be pathogenic (PMID: 9693036, 16432067, 23303164). This suggests that this residue is clinically significant, and that variants that disrupt this residue are likely to be disease-causing. In summary, the available evidence is currently insufficient to determine the role of this variant in disease. Therefore, it has been classified as a Variant of Uncertain Significance.

Blueprint Genetics
Classification: Likely pathogenic for KCNH2-related disorders. Last evaluated: 2022-06-21. Review status: criteria provided, single submitter. Criteria: ACMG Guidelines, 2015. Collection method: clinical testing. Allele origin: germline. Affected: yes. Observed: 2 variant alleles.

Human Genome Sequencing Center Clinical Lab, Baylor College of Medicine
Classification: Likely pathogenic for Long QT syndrome 2. Last evaluated: 2020-09-23. Review status: criteria provided, single submitter. Criteria: ACMG Guidelines, 2015. Collection method: clinical testing. Allele origin: germline.
Comment: This c.1888G>A (p.Val630Ile) variant in the KCNH2 gene has been reported in two unrelated individuals affected with ventricular arrhythmias and sudden cardiac death (PMID: 30041777, 28449774). It is seen at low frequency (7/282860 alleles) in the gnomAD population database and is predicted to be deleterious by multiple in silico algorithms. Other variants affecting the same codon (p.Val630Ala and p.Val630Leu) have been determined to be likely pathogenic (PMID: 9693036, 16432067, 23303164, 9024139, 11854117, 15840476, 8799887). Therefore, the c.1888G>A (p.Val630Ile) variant in the KCNH2 gene is classified as likely pathogenic.

Women's Health and Genetics/Laboratory Corporation of America, LabCorp
Classification: Likely pathogenic for Long QT syndrome. Last evaluated: 2018-10-25. Review status: criteria provided, single submitter. Criteria: LabCorp Variant Classification Summary - May 2015. Collection method: clinical testing. Allele origin: germline.
Comment: Variant summary: KCNH2 c.1888G>A (p.Val630Ile) results in a conservative amino acid change located in the Ion transport domain of the encoded protein sequence. Four of five in-silico tools predict a damaging effect of the variant on protein function. The variant allele was found at a frequency of 2.5e-05 in 277200 control chromosomes (gnomAD). The variant, c.1888G>A, has been reported in the literature in individuals affected with sudden arrhythmic death syndrome and long QT syndrome (Lahrouchi_2017, Owen_2018). These data indicate that the variant may be associated with disease. In addition, other missense changes affecting the same codon, p.V630A and p.V630L, and nearby p.N629S, p.N629K, p.N629I, p.N629D, and p.S631A, have been reported in affected individuals suggesting this region could be important for KCNH2 protein function. To our knowledge, no experimental evidence demonstrating an impact on protein function has been reported. A ClinVar submission from a clinical diagnostic laboratory (evaluation after 2014) cite the variant as likely pathogenic. Therefore, based on the variant fulfilling the following ACMG criterias: PM1,PM5,PP3, and PP5, the variant was classified as likely pathogenic.

Literature cited by the submitters: PubMed 8799887 (cited by 3 submitters); PubMed 28449774 (cited by 5 submitters); PubMed 30041777 (cited by 4 submitters); PubMed 32893267 (cited by 3 submitters); PubMed 34363016 (cited by 3 submitters); PubMed 37901857 (cited by Color Diagnostics, LLC DBA Color Health and Ambry Genetics); PubMed 36136372 (cited by Ambry Genetics); PubMed 9693036 (cited by Labcorp Genetics (formerly Invitae), Labcorp); PubMed 16432067 (cited by Labcorp Genetics (formerly Invitae), Labcorp); PubMed 23303164 (cited by Labcorp Genetics (formerly Invitae), Labcorp).